The following is an entry in ClinVar:

ClinVar aggregate classification (germline): Benign. Review status: criteria provided, multiple submitters, no conflicts (2 of 4 stars). 6 submissions from 6 submitters: Benign (6). Last evaluated 2026-02-04.

Conditions:
Osteogenesis imperfecta type 6. Also called: Osteogenesis imperfecta, type VI. Identifiers: Orphanet 666, MedGen C3279564, MONDO:0013515, OMIM 613982.

Allele frequency attached by ClinVar (database versions not stated): gnomAD exomes 0.07824; ExAC 0.07945; ESP Exome Variant Server 0.10626; TOPMed 0.11666; 1000 Genomes Project 0.13478; 1000 Genomes Project 30x 0.13710.

Submissions (6):

Labcorp Genetics (formerly Invitae), Labcorp
Classification: Benign. Last evaluated: 2026-02-04. Review status: criteria provided, single submitter. Criteria: Invitae Variant Classification Sherloc (09022015). Collection method: clinical testing. Allele origin: germline.

Mayo Clinic Laboratories, Mayo Clinic
Classification: Benign. Last evaluated: 2022-04-26. Review status: criteria provided, single submitter. Criteria: ACMG Guidelines, 2015. Collection method: clinical testing. Allele origin: germline. Observed: 16 variant alleles.

Illumina Laboratory Services, Illumina
Classification: Benign for Osteogenesis imperfecta type 6. Last evaluated: 2018-01-13. Review status: criteria provided, single submitter. Criteria: ICSL Variant Classification Criteria 13 December 2019. Collection method: clinical testing. Allele origin: germline.
Comment: This variant was observed in the ICSL laboratory as part of a predisposition screen in an ostensibly healthy population. It had not been previously curated by ICSL or reported in the Human Gene Mutation Database (HGMD: prior to June 1st, 2018), and was therefore a candidate for classification through an automated scoring system. Utilizing variant allele frequency, disease prevalence and penetrance estimates, and inheritance mode, an automated score was calculated to assess if this variant is too frequent to cause the disease. Based on the score and internal cut-off values, a variant classified as benign is not then subjected to further curation. The score for this variant resulted in a classification of benign for this disease.

GeneDx
Classification: Benign. Last evaluated: 2017-09-13. Review status: criteria provided, single submitter. Criteria: GeneDx Variant Classification (06012015). Collection method: clinical testing. Allele origin: germline. Affected: yes.
Comment: This variant is considered likely benign or benign based on one or more of the following criteria: it is a conservative change, it occurs at a poorly conserved position in the protein, it is predicted to be benign by multiple in silico algorithms, and/or has population frequency not consistent with disease.

Breakthrough Genomics
Classification: Benign. Review status: criteria provided, single submitter. Criteria: ACMG Guidelines, 2015. Collection method: not provided. Allele origin: germline. Inheritance: Autosomal recessive inheritance. Affected: yes.

Medical Molecular Genetics Department, National Research Center
Classification: Benign for Osteogenesis imperfecta, type VI. Review status: criteria provided, single submitter. Criteria: ACMG Guidelines, 2015. Collection method: clinical testing. Allele origin: inherited. Inheritance: Autosomal recessive inheritance. Observed: 1 variant allele.

NM_002615.7(SERPINF1):c.643+9G>A

Gene: SERPINF1 (serpin family F member 1; plus strand). Cytogenetic location: 17p13.3.
Variant type: single nucleotide variant.
Coding change: c.643+9G>A on transcript NM_002615.7 (MANE Select); 9 bases into the intron after coding-DNA position 643, G replaced by A.
Molecular consequence: intron variant.
Genome position (GRCh38, 1-based): chr17:1,772,084, G>A. VCF-style: chr17-1772084-G-A. GRCh37 (hg19) VCF-style: chr17-1675378-G-A.
Other names: p.?; c.82+9G>A (NM_001329904.2, NM_001329905.2); c.643+9G>A (NM_001329903.2).
Identifiers: ClinVar variation 322007 (VCV000322007.15), dbSNP rs12103559, ClinGen allele CA8274764.